The following is an entry in ClinVar:

ClinVar aggregate classification (germline): Uncertain significance (1 of 4 stars; one submission).

Allele frequency attached by ClinVar (database versions not stated): ExAC 0.00001; TOPMed 0.00001; gnomAD 0.00003.
gnomAD v4.1: 5 of 1,613,178 alleles (0.00031%); highest among the groups gnomAD compares: African/African-American, 0.0053%; no homozygotes.

Submission:

Ambry Genetics
Classification: Uncertain significance. Last evaluated: 2023-09-25. Review status: criteria provided, single submitter. Criteria: Ambry Variant Classification Scheme 2023. Collection method: clinical testing. Allele origin: germline.
Comment: The p.Q367E variant (also known as c.1099C>G), located in coding exon 7 of the POLQ gene, results from a C to G substitution at nucleotide position 1099. The glutamine at codon 367 is replaced by glutamic acid, an amino acid with highly similar properties. This amino acid position is conserved. In addition, this alteration is predicted to be tolerated by in silico analysis. Since supporting evidence is limited at this time, the clinical significance of this alteration remains unclear.

NM_199420.4(POLQ):c.1099C>G (p.Gln367Glu)

Gene: POLQ (DNA polymerase theta; minus strand). Cytogenetic location: 3q13.33.
Variant type: single nucleotide variant.
Coding change: c.1099C>G on transcript NM_199420.4 (MANE Select); coding-DNA position 1099, C replaced by G.
Protein change: p.Gln367Glu; replaces glutamine 367 with glutamic acid.
Molecular consequence: missense variant.
Genome position (GRCh38, 1-based): chr3:121,529,654, G>C on the plus strand (C>G on the coding strand, the complement: POLQ is on the minus strand). VCF-style: chr3-121529654-G-C. GRCh37 (hg19) VCF-style: chr3-121248501-G-C.
Other names: short protein forms Q367E.
Identifiers: ClinVar variation 1791498 (VCV001791498.2), dbSNP rs767320440, ClinGen allele CA2563653.
Genomic context (GRCh38, chr3:121,529,654, plus strand): 5'-TTCAAGCAAATGTACTAAGCATGAAGGCTTTCCTTTCCATCCATAACTCACCCTCAGCTT[G>C]ATGATGTAGATTATAAAACTCTCGAGCAATGATATCTGCCAGCTTCTCACACCATTTCTT-3'
Protein context (NP_955452.3, residues 357-377): IAREFYNLHH[Gln367Glu]AEGLVKPSEC